The following is an entry in ClinVar:

ClinVar aggregate classification (germline): Uncertain significance (1 of 4 stars; one submission).

gnomAD v4.1: 1 of 1,614,204 alleles (0.000062%); highest among the groups gnomAD compares: African/African-American, 0.0013%; no homozygotes.

Submission:

Labcorp Genetics (formerly Invitae), Labcorp
Classification: Uncertain significance. Last evaluated: 2024-04-08. Review status: criteria provided, single submitter. Criteria: Invitae Variant Classification Sherloc (09022015). Collection method: clinical testing. Allele origin: germline.
Comment: This sequence change replaces phenylalanine, which is neutral and non-polar, with leucine, which is neutral and non-polar, at codon 30 of the TNFAIP3 protein (p.Phe30Leu). This variant is present in population databases (no rsID available, gnomAD 0.007%). This variant has not been reported in the literature in individuals affected with TNFAIP3-related conditions. Advanced modeling of protein sequence and biophysical properties (such as structural, functional, and spatial information, amino acid conservation, physicochemical variation, residue mobility, and thermodynamic stability) performed at Invitae indicates that this missense variant is not expected to disrupt TNFAIP3 protein function with a negative predictive value of 80%. In summary, the available evidence is currently insufficient to determine the role of this variant in disease. Therefore, it has been classified as a Variant of Uncertain Significance.

NM_001270508.2(TNFAIP3):c.90T>A (p.Phe30Leu)

Gene: TNFAIP3 (TNF alpha induced protein 3; plus strand). Cytogenetic location: 6q23.3.
Variant type: single nucleotide variant.
Coding change: c.90T>A on transcript NM_001270508.2 (MANE Select); coding-DNA position 90, T replaced by A.
Protein change: p.Phe30Leu; replaces phenylalanine 30 with leucine.
Molecular consequence: missense variant.
Genome position (GRCh38, 1-based): chr6:137,871,317, T>A. VCF-style: chr6-137871317-T-A. GRCh37 (hg19) VCF-style: chr6-138192454-T-A.
Other names: c.90T>A, p.Phe30Leu (NM_001270507.2, NM_006290.4); short protein forms F30L.
Identifiers: ClinVar variation 3702411 (VCV003702411.2).